The following is an entry in ClinVar:

NM_006563.5(KLF1):c.13G>A (p.Glu5Lys)

Genes: KLF1 (KLF transcription factor 1; minus strand), LOC117125592 (CRISPRi-FlowFISH-validated CALR, DHPS, JUNB, PRDX2, RAD23A, RNASEH2A and WDR83OS regulatory element; plus strand). Cytogenetic location: 19p13.13.
Variant type: single nucleotide variant.
Coding change: c.13G>A on transcript NM_006563.5 (MANE Select); coding-DNA position 13, G replaced by A.
Protein change: p.Glu5Lys; replaces glutamic acid 5 with lysine.
Molecular consequence: missense variant.
Genome position (GRCh38, 1-based): chr19:12,887,128, C>T on the plus strand (G>A on the coding strand, the complement: KLF1 is on the minus strand). VCF-style: chr19-12887128-C-T. GRCh37 (hg19) VCF-style: chr19-12997942-C-T.
Other names: short protein forms E5K.
Identifiers: ClinVar variation 100798 (VCV000100798.4), dbSNP rs483352842, ClinGen allele CA228975.
Genomic context (GRCh38, chr19:12,887,128, plus strand): 5'-CCTGTGTGTCCGGGAAGGGGCCCAGGGCGGTCAGTGTGCTGATGGAGGGCAAGGCGGTCT[C>T]GGCTGTGGCCATGGCTGGCTGGTGCCCACCCTGGGCCTCAAGCCTCCTCTTCCTCGGCTG-3'
Protein context (NP_006554.1, residues 1-15): MATA[Glu5Lys]TALPSISTLT

ClinVar aggregate classification (germline): Conflicting classifications of pathogenicity. Review status: criteria provided, conflicting classifications (1 of 4 stars). 3 submissions from 3 submitters: Uncertain significance (1); Benign (1). 1 of the submissions does not count toward it. Last evaluated 2025-10-11.

Conditions:
BLOOD GROUP--LUTHERAN INHIBITOR (INLU). Also called: DOMINANT LU (a-b-) PHENOTYPE. Identifiers: MedGen C1292231, OMIM 111150.

Allele frequency attached by ClinVar (database versions not stated): TOPMed 0.00003; gnomAD 0.00006 and below 0.00001; 1000 Genomes Project 0.00080; 1000 Genomes Project 30x 0.00094.
gnomAD v4.1: 111 of 1,614,056 alleles (0.0069%); highest among the groups gnomAD compares: South Asian, 0.1%; 1 homozygote.

Submissions (3):

Labcorp Genetics (formerly Invitae), Labcorp
Classification: Uncertain significance. Last evaluated: 2025-10-11. Review status: criteria provided, single submitter. Criteria: Invitae Variant Classification Sherloc (09022015). Collection method: clinical testing. Allele origin: germline.
Comment: This sequence change replaces glutamic acid, which is acidic and polar, with lysine, which is basic and polar, at codon 5 of the KLF1 protein (p.Glu5Lys). This variant is present in population databases (rs483352842, gnomAD 0.1%). This variant has not been reported in the literature in individuals affected with KLF1-related conditions. ClinVar contains an entry for this variant (Variation ID: 100798). Invitae Evidence Modeling of protein sequence and biophysical properties (such as structural, functional, and spatial information, amino acid conservation, physicochemical variation, residue mobility, and thermodynamic stability) indicates that this missense variant is not expected to disrupt KLF1 protein function with a negative predictive value of 80%. In summary, the available evidence is currently insufficient to determine the role of this variant in disease. Therefore, it has been classified as a Variant of Uncertain Significance.

Mendelics
Classification: Benign for BLOOD GROUP--LUTHERAN INHIBITOR. Last evaluated: 2019-05-28. Review status: criteria provided, single submitter. Criteria: Mendelics Assertion Criteria 2017. Collection method: clinical testing. Allele origin: unknown.

Department of Medical Genetics, Oslo University Hospital
No classification provided. Review status: no classification provided. Collection method: not provided. Allele origin: unknown. Not counted in ClinVar's aggregate classification.
Comment: p.Glu5Lys
ClinVar note: Converted during submission from untested to not provided.